The following is an entry in ClinVar:

ClinVar aggregate classification (germline): Pathogenic/Likely pathogenic. Review status: criteria provided, multiple submitters, no conflicts (2 of 4 stars). 5 submissions from 5 submitters: Pathogenic (4); Likely pathogenic (1). Last evaluated 2025-10-04.

Conditions:
Polymicrogyria with or without vascular-type Ehlers-Danlos syndrome. Identifiers: Orphanet 636941, MedGen C5193040, MONDO:0032688, OMIM 618343.
Ehlers-Danlos syndrome, type 4 (EDSVASC). Also called: Ehlers-Danlos syndrome vascular type; Ehlers Danlos syndrome, ecchymotic type; Ehlers Danlos syndrome, arterial type; Ehlers Danlos syndrome, Sack-Barabas type; Ehlers-Danlos Syndrome Type IV. Identifiers: Orphanet 286, MedGen C0268338, MONDO:0017314, OMIM 130050.
Familial thoracic aortic aneurysm and aortic dissection (TAAD). Also called: Thoracic aortic aneurysms and dissections. Identifiers: Orphanet 91387, MedGen C4707243, MONDO:0019625.

Allele frequency attached by ClinVar (database versions not stated): gnomAD exomes below 0.00001.
gnomAD v4.1: 1 of 1,614,104 alleles (0.000062%); highest among the groups gnomAD compares: Non-Finnish European, 0.000085%; no homozygotes.

Submissions (5):

Variantyx, Inc.
Classification: Likely pathogenic for Ehlers-Danlos syndrome, type 4. Last evaluated: 2025-10-04. Review status: criteria provided, single submitter. Criteria: Variantyx Assertion Criteria 2022. Collection method: clinical testing. Allele origin: germline. Inheritance: Autosomal dominant inheritance. Affected: yes.
Comment: This is a nonsense variant in the COL3A1 gene (OMIM: 120180). Pathogenic variants in this gene have been associated with autosomal dominant vascular-type Ehlers-Danlos syndrome. This variant introduces a premature termination codon in exon 50 out of 51 and is expected to result in loss of function, which is a known disease mechanism for COL3A1 in this disorder (PMID: 24922459, 11577371, 24650746) (PVS1). This variant has a 0.0001% maximum allele frequency in non-founder control populations (PM2). Based on the current evidence, this variant is classified as likely pathogenic for autosomal dominant vascular-type Ehlers-Danlos syndrome.

Ambry Genetics
Classification: Pathogenic for Familial thoracic aortic aneurysm and aortic dissection. Last evaluated: 2024-10-10. Review status: criteria provided, single submitter. Criteria: Ambry Variant Classification Scheme 2023. Collection method: clinical testing. Allele origin: germline.
Comment: The p.R1358* pathogenic mutation (also known as c.4072C>T), located in coding exon 50 of the COL3A1 gene, results from a C to T substitution at nucleotide position 4072. This changes the amino acid from an arginine to a stop codon within coding exon 50. This variant is considered to be rare based on population cohorts in the Genome Aggregation Database (gnomAD). This alteration is expected to result in loss of function by premature protein truncation or nonsense-mediated mRNA decay. As such, this alteration is interpreted as a disease-causing mutation.

GeneDx
Classification: Pathogenic. Last evaluated: 2024-03-25. Review status: criteria provided, single submitter. Criteria: GeneDx Variant Classification Process June 2021. Collection method: clinical testing. Allele origin: germline. Affected: yes.
Comment: Nonsense variant predicted to result in protein truncation or nonsense mediated decay in a gene for which loss of function is a known mechanism of disease; Not observed at significant frequency in large population cohorts (gnomAD); Has not been previously published as pathogenic or benign to our knowledge

Color Diagnostics, LLC DBA Color Health
Classification: Pathogenic for Familial thoracic aortic aneurysm and aortic dissection. Last evaluated: 2022-08-17. Review status: criteria provided, single submitter. Criteria: ACMG Guidelines, 2015. Collection method: clinical testing. Allele origin: germline.
Comment: This variant changes 1 nucleotide in exon 50 of the COL3A1 gene, creating a premature translation stop signal. This variant is expected to result in an absent or non-functional protein product. To our knowledge, this variant has not been reported in individuals affected with cardiovascular disorders in the literature. This variant has not been identified in the general population by the Genome Aggregation Database (gnomAD). Loss of COL3A1 function is a known mechanism of disease. Based on the available evidence, this variant is classified as Pathogenic.

Fulgent Genetics
Classification: Pathogenic for Ehlers-Danlos syndrome, type 4; Polymicrogyria with or without vascular-type Ehlers-Danlos syndrome. Last evaluated: 2021-07-01. Review status: criteria provided, single submitter. Criteria: ACMG Guidelines, 2015. Collection method: clinical testing. Allele origin: unknown.

Literature cited by the submitters: PubMed 24922459 (cited by Variantyx, Inc.); PubMed 11577371 (cited by Variantyx, Inc.); PubMed 24650746 (cited by Variantyx, Inc.).

NM_000090.4(COL3A1):c.4072C>T (p.Arg1358Ter)

Gene: COL3A1 (collagen type III alpha 1 chain; plus strand). Cytogenetic location: 2q32.2.
Variant type: single nucleotide variant.
Coding change: c.4072C>T on transcript NM_000090.4 (MANE Select); coding-DNA position 4072, C replaced by T.
Protein change: p.Arg1358Ter; replaces arginine 1358 with a stop codon.
Molecular consequence: nonsense.
Genome position (GRCh38, 1-based): chr2:189,010,708, C>T. VCF-style: chr2-189010708-C-T. GRCh37 (hg19) VCF-style: chr2-189875434-C-T.
Other names: p.R1358*:CGA>TGA; short protein forms R1358*.
Identifiers: ClinVar variation 199747 (VCV000199747.13), dbSNP rs794728057, ClinGen allele CA006806.
Genomic context (GRCh38, chr2:189,010,708, plus strand): 5'-TTTAGCTACGGCAATCCTGAACTTCCTGAAGATGTCCTTGATGTGCATCTGGCATTCCTT[C>T]GACTTCTCTCCAGCCGAGCTTCCCAGAACATCACATATCACTGCAAAAATAGCATTGCAT-3'